The following is an entry in ClinVar:

ClinVar aggregate classification (germline): Uncertain significance (1 of 4 stars; one submission).

Conditions:
Isolated microphthalmia 5. Also called: Posterior Microphthalmia with Retinitis Pigmentosa, Foveoschisis, and Optic Disc Drusen. Identifiers: Orphanet 251279, MedGen C1970236, MONDO:0012605, OMIM 611040.

Submission:

Labcorp Genetics (formerly Invitae), Labcorp
Classification: Uncertain significance for Isolated microphthalmia 5. Last evaluated: 2020-09-24. Review status: criteria provided, single submitter. Criteria: Invitae Variant Classification Sherloc (09022015). Collection method: clinical testing. Allele origin: germline.
Comment: This variant results in a copy number gain of the genomic region encompassing the full coding sequence of the MFRP gene. The boundaries of this event are unknown as they extend beyond the assayed region for this gene and therefore may encompass additional genes. As the precise location of this event is unknown, it may be in tandem or it may be located elsewhere in the genome. This variant has not been reported in the literature in individuals with MFRP-related conditions. Experimental studies and prediction algorithms are not available or were not evaluated, and the functional significance of this variant is currently unknown. In summary, the available evidence is currently insufficient to determine the role of this variant in disease. Therefore, it has been classified as a Variant of Uncertain Significance.

NC_000011.9:g.(?_119212238)_(119217243_?)dup

Genes: C1QTNF5 (C1q and TNF related 5; minus strand), MFRP (membrane frizzled-related protein; minus strand). Cytogenetic location: 11q23.3.
Variant type: Duplication.
Identifiers: ClinVar variation 1011854 (VCV001011854.2).